The following is an entry in ClinVar:

ClinVar aggregate classification (germline): Pathogenic. Review status: criteria provided, multiple submitters, no conflicts (2 of 4 stars). 2 submissions from 2 submitters: Pathogenic (2). Last evaluated 2022-09-04.

Submissions (2):

Labcorp Genetics (formerly Invitae), Labcorp
Classification: Pathogenic. Last evaluated: 2022-09-04. Review status: criteria provided, single submitter. Criteria: Invitae Variant Classification Sherloc (09022015). Collection method: clinical testing. Allele origin: germline.
Comment: This sequence change creates a premature translational stop signal (p.Lys120Glufs*4) in the PRPF31 gene. It is expected to result in an absent or disrupted protein product. Loss-of-function variants in PRPF31 are known to be pathogenic (PMID: 18317597, 23950152). This variant is not present in population databases (gnomAD no frequency). This premature translational stop signal has been observed in individual(s) with retinitis pigmentosa (PMID: 32100970). ClinVar contains an entry for this variant (Variation ID: 1275773). For these reasons, this variant has been classified as Pathogenic.

Institute of Medical Genetics and Applied Genomics, University Hospital Tübingen
Classification: Pathogenic. Last evaluated: 2021-09-15. Review status: criteria provided, single submitter. Criteria: ACMG Guidelines, 2015. Collection method: clinical testing. Allele origin: germline. Inheritance: Autosomal dominant inheritance. Affected: yes.

Literature cited by the submitters: PubMed 18317597 (cited by Labcorp Genetics (formerly Invitae), Labcorp); PubMed 23950152 (cited by Labcorp Genetics (formerly Invitae), Labcorp); PubMed 32100970 (cited by Labcorp Genetics (formerly Invitae), Labcorp).

NM_015629.4(PRPF31):c.358_359del (p.Lys120fs)

Genes: PRPF31 (pre-mRNA processing factor 31; plus strand), PRPF31-AS1 (PRPF31 antisense RNA 1; minus strand). Cytogenetic location: 19q13.42.
Variant type: Deletion.
Coding change: c.358_359del on transcript NM_015629.4 (MANE Select); coding-DNA positions 358 to 359, 2 bases deleted (AA; older notation c.358_359delAA).
Protein change: p.Lys120fs; shifts the reading frame from lysine 120.
Molecular consequence: frameshift variant.
Genome position (GRCh38, 1-based): chr19:54,122,532-54,122,533, AA deleted; deleting any 2 consecutive bases within chr19:54,122,531-54,122,533 gives the same sequence; the c. name uses the placement nearest the transcript's 3' end. VCF-style (leftmost placement, unchanged base first): chr19-54122530-CAA-C. GRCh37 (hg19) VCF-style: chr19-54625909-CAA-C.
Other names: short protein forms K120fs.
Identifiers: ClinVar variation 1275773 (VCV001275773.8), dbSNP rs1555792415, ClinGen allele CA2499225590.